The following is an entry in ClinVar:

NM_000278.5(PAX2):c.673C>T (p.Arg225Trp)

Gene: PAX2 (paired box 2; plus strand). Cytogenetic location: 10q24.31.
Variant type: single nucleotide variant.
Coding change: c.673C>T on transcript NM_000278.5 (MANE Select); coding-DNA position 673, C replaced by T.
Protein change: p.Arg225Trp; replaces arginine 225 with tryptophan.
Molecular consequence: missense variant.
Genome position (GRCh38, 1-based): chr10:100,806,486, C>T. VCF-style: chr10-100806486-C-T. GRCh37 (hg19) VCF-style: chr10-102566243-C-T.
Other names: c.766C>T, p.Arg256Trp (NM_001304569.2); c.742C>T, p.Arg248Trp (NM_003987.5, NM_003990.5); c.673C>T, p.Arg225Trp (NM_003988.5, NM_003989.5); c.742C>T (NM_003990.3); short protein forms R248W, R256W, R225W.
Identifiers: ClinVar variation 1924083 (VCV001924083.8), dbSNP rs142737641, ClinGen allele CA213069709.

ClinVar aggregate classification (germline): Uncertain significance. Review status: criteria provided, multiple submitters, no conflicts (2 of 4 stars). 4 submissions from 4 submitters: Uncertain significance (4). Last evaluated 2025-12-02.

Conditions:
Renal coloboma syndrome (PAPRS). Also called: PAPILLORENAL SYNDROME; CONGENITAL ANOMALIES OF THE KIDNEY AND URINARY TRACT WITH OR WITHOUT OCULAR ABNORMALITIES; CAKUT WITH OR WITHOUT OCULAR ABNORMALITIES; COLOBOMA OF OPTIC NERVE WITH RENAL DISEASE; OPTIC COLOBOMA, VESICOURETERAL REFLUX, AND RENAL ANOMALIES; OPTIC NERVE COLOBOMA WITH RENAL DISEASE. Identifiers: Orphanet 1475, MedGen C1852759, MONDO:0007352, OMIM 120330.
Focal segmental glomerulosclerosis 7 (FSGS7). Identifiers: Orphanet 656, MedGen C4014925, MONDO:0014451, OMIM 616002.

Allele frequency attached by ClinVar (database versions not stated): gnomAD 0.00001; TOPMed 0.00002; ESP Exome Variant Server 0.00008.

Submissions (4):

Victorian Clinical Genetics Services, Murdoch Childrens Research Institute
Classification: Uncertain significance for Focal segmental glomerulosclerosis 7. Last evaluated: 2025-12-02. Review status: criteria provided, single submitter. Criteria: ACMG Guidelines, 2015. Collection method: clinical testing. Allele origin: germline. Affected: yes.
Comment: This variant is classified as VUS-3B. Evidence in support of pathogenic classification: Variant is present in gnomAD <0.001 for a dominant condition (v4: 7 heterozygote(s), 0 homozygote(s)); Missense variant predicted to be damaging by in silico tool(s) or highly conserved with a major amino acid change. Additional information: Variant is predicted to result in a missense amino acid change from Arg to Trp; This variant is heterozygous; This gene is associated with autosomal dominant disease; Alternative amino acid change(s) at the same position are present in gnomAD (highest allele count: v4: 44 heterozygote(s), 0 homozygote(s)); Previous evidence of pathogenicity for this variant is inconclusive. This variant has been classified as a VUS by clinical laboratories in ClinVar; No published evidence of segregation with disease has been identified for this variant; No published functional evidence has been identified for this variant; Another missense variant(s) comparable to the one identified in this case has inconclusive previous evidence for pathogenicity. p.(Arg225Gln) has been classified as a VUS by clinical laboratories in ClinVar; Variant is not located in an established domain, motif, hotspot or informative constraint region; Loss of function is a known mechanism of disease in this gene and is associated with a spectrum of disease from focal segmental glomerulosclerosis, 7 (MIM#616002) to papillorenal syndrome (MIM#120330); Variants in this gene are known to have variable expressivity (PMIDs: 20301624, 34696790); Inheritance information for this variant is not currently available in this individual.

Labcorp Genetics (formerly Invitae), Labcorp
Classification: Uncertain significance for Renal coloboma syndrome; Focal segmental glomerulosclerosis 7. Last evaluated: 2025-07-31. Review status: criteria provided, single submitter. Criteria: Invitae Variant Classification Sherloc (09022015). Collection method: clinical testing. Allele origin: germline.
Comment: This sequence change replaces arginine, which is basic and polar, with tryptophan, which is neutral and slightly polar, at codon 225 of the PAX2 protein (p.Arg225Trp). This variant is not present in population databases (gnomAD no frequency). This variant has not been reported in the literature in individuals affected with PAX2-related conditions. ClinVar contains an entry for this variant (Variation ID: 1924083). Experimental studies and prediction algorithms are not available or were not evaluated, and the functional significance of this variant is currently unknown. In summary, the available evidence is currently insufficient to determine the role of this variant in disease. Therefore, it has been classified as a Variant of Uncertain Significance.

GeneDx
Classification: Uncertain significance. Last evaluated: 2024-06-05. Review status: criteria provided, single submitter. Criteria: GeneDx Variant Classification Process June 2021. Collection method: clinical testing. Allele origin: germline. Affected: yes.
Comment: Not observed at significant frequency in large population cohorts (gnomAD); In silico analysis supports that this missense variant has a deleterious effect on protein structure/function; Has not been previously published as pathogenic or benign to our knowledge

Blueprint Genetics
Classification: Uncertain significance. Last evaluated: 2020-02-04. Review status: criteria provided, single submitter. Criteria: ACMG Guidelines, 2015. Collection method: clinical testing. Allele origin: germline.

Literature cited by the submitters: PubMed 20301624 (cited by Victorian Clinical Genetics Services, Murdoch Childrens Research Institute); PubMed 34696790 (cited by Victorian Clinical Genetics Services, Murdoch Childrens Research Institute).